The following is an entry in ClinVar:

ClinVar aggregate classification (germline): Uncertain significance (1 of 4 stars; one submission).

Conditions:
Primary ciliary dyskinesia. Also called: Ciliary dyskinesia. Identifiers: Orphanet 244, MedGen C0008780, MONDO:0016575, HP:0012265.

gnomAD v4.1: 1 of 1,613,764 alleles (0.000062%); highest among the groups gnomAD compares: Non-Finnish European, 0.000085%; no homozygotes.

Submission:

Labcorp Genetics (formerly Invitae), Labcorp
Classification: Uncertain significance for Primary ciliary dyskinesia. Last evaluated: 2024-06-16. Review status: criteria provided, single submitter. Criteria: Invitae Variant Classification Sherloc (09022015). Collection method: clinical testing. Allele origin: germline.
Comment: This sequence change replaces proline, which is neutral and non-polar, with serine, which is neutral and polar, at codon 4280 of the DNAH11 protein (p.Pro4280Ser). This variant is not present in population databases (gnomAD no frequency). This variant has not been reported in the literature in individuals affected with DNAH11-related conditions. Advanced modeling of protein sequence and biophysical properties (such as structural, functional, and spatial information, amino acid conservation, physicochemical variation, residue mobility, and thermodynamic stability) performed at Invitae indicates that this missense variant is not expected to disrupt DNAH11 protein function with a negative predictive value of 95%. In summary, the available evidence is currently insufficient to determine the role of this variant in disease. Therefore, it has been classified as a Variant of Uncertain Significance.

NM_001277115.2(DNAH11):c.12838C>T (p.Pro4280Ser)

Gene: DNAH11 (dynein axonemal heavy chain 11; plus strand). Cytogenetic location: 7p15.3.
Variant type: single nucleotide variant.
Coding change: c.12838C>T on transcript NM_001277115.2 (MANE Select); coding-DNA position 12838, C replaced by T.
Protein change: p.Pro4280Ser; replaces proline 4280 with serine.
Molecular consequence: missense variant.
Genome position (GRCh38, 1-based): chr7:21,894,710, C>T. VCF-style: chr7-21894710-C-T. GRCh37 (hg19) VCF-style: chr7-21934328-C-T.
Other names: short protein forms P4280S.
Identifiers: ClinVar variation 3694670 (VCV003694670.2).